The following is an entry in ClinVar:

NM_015425.6(POLR1A):c.4832C>T (p.Thr1611Met)

Gene: POLR1A (RNA polymerase I subunit A; minus strand). Cytogenetic location: 2p11.2.
Variant type: single nucleotide variant.
Coding change: c.4832C>T on transcript NM_015425.6 (MANE Select); coding-DNA position 4832, C replaced by T.
Protein change: p.Thr1611Met; replaces threonine 1611 with methionine.
Molecular consequence: missense variant.
Genome position (GRCh38, 1-based): chr2:86,028,659, G>A on the plus strand (C>T on the coding strand, the complement: POLR1A is on the minus strand). VCF-style: chr2-86028659-G-A. GRCh37 (hg19) VCF-style: chr2-86255782-G-A.
Other names: short protein forms T1611M.
Identifiers: ClinVar variation 1012950 (VCV001012950.46), dbSNP rs778229105, ClinGen allele CA1745370.

ClinVar aggregate classification (germline): Uncertain significance. Review status: criteria provided, multiple submitters, no conflicts (2 of 4 stars). 3 submissions from 3 submitters: Uncertain significance (3). Last evaluated 2024-07-31.

Allele frequency attached by ClinVar (database versions not stated): TOPMed 0.00001; ExAC 0.00002; gnomAD 0.00002; gnomAD exomes 0.00002 and 0.00005.
gnomAD v4.1: 68 of 1,614,030 alleles (0.0042%); highest among the groups gnomAD compares: Non-Finnish European, 0.0056%; no homozygotes.

Submissions (3):

Labcorp Genetics (formerly Invitae), Labcorp
Classification: Uncertain significance. Last evaluated: 2024-07-31. Review status: criteria provided, single submitter. Criteria: Invitae Variant Classification Sherloc (09022015). Collection method: clinical testing. Allele origin: germline.
Comment: This sequence change replaces threonine, which is neutral and polar, with methionine, which is neutral and non-polar, at codon 1611 of the POLR1A protein (p.Thr1611Met). This variant is present in population databases (rs778229105, gnomAD 0.004%). This variant has not been reported in the literature in individuals affected with POLR1A-related conditions. ClinVar contains an entry for this variant (Variation ID: 1012950). Advanced modeling of protein sequence and biophysical properties (such as structural, functional, and spatial information, amino acid conservation, physicochemical variation, residue mobility, and thermodynamic stability) performed at Invitae indicates that this missense variant is not expected to disrupt POLR1A protein function with a negative predictive value of 80%. In summary, the available evidence is currently insufficient to determine the role of this variant in disease. Therefore, it has been classified as a Variant of Uncertain Significance.

CeGaT Center for Human Genetics Tuebingen
Classification: Uncertain significance. Last evaluated: 2020-08-01. Review status: criteria provided, single submitter. Criteria: CeGaT Center For Human Genetics Tuebingen Variant Classification Criteria Version 2. Collection method: clinical testing. Allele origin: germline. Affected: yes. Observed: 2 variant alleles.

GeneDx
Classification: Uncertain significance. Last evaluated: 2019-03-29. Review status: criteria provided, single submitter. Criteria: GeneDx Variant Classification Process June 2021. Collection method: clinical testing. Allele origin: germline. Affected: yes.
Comment: In silico analysis, which includes protein predictors and evolutionary conservation, supports a deleterious effect; Has not been previously published as pathogenic or benign to our knowledge